The following is an entry in ClinVar:

NM_001375380.1(EBF3):c.101C>A (p.Ala34Glu)

Gene: EBF3 (EBF transcription factor 3; minus strand). Cytogenetic location: 10q26.3.
Variant type: single nucleotide variant.
Coding change: c.101C>A on transcript NM_001375380.1 (MANE Select); coding-DNA position 101, C replaced by A.
Protein change: p.Ala34Glu; replaces alanine 34 with glutamic acid.
Molecular consequence: missense variant.
Genome position (GRCh38, 1-based): chr10:129,963,668, G>T on the plus strand (C>A on the coding strand, the complement: EBF3 is on the minus strand). VCF-style: chr10-129963668-G-T. GRCh37 (hg19) VCF-style: chr10-131761932-G-T.
Other names: c.101C>A, p.Ala34Glu (NM_001005463.3, NM_001375379.1, NM_001375389.1 and 3 more transcripts); short protein forms A34E.
Identifiers: ClinVar variation 3903049 (VCV003903049.2).

ClinVar aggregate classification (germline): Uncertain significance (1 of 4 stars; one submission).

Submission:

GeneDx
Classification: Uncertain significance. Last evaluated: 2026-10-19. Review status: criteria provided, single submitter. Criteria: GeneDx Variant Classification Process June 2021. Collection method: clinical testing. Allele origin: germline.
Comment: Not observed at significant frequency in large population cohorts (gnomAD); In silico analysis indicates that this missense variant does not alter protein structure/function; Has not been previously published as pathogenic or benign to our knowledge